The following is an entry in ClinVar:

NM_001130009.3(GEN1):c.314C>G (p.Thr105Arg)

Gene: GEN1 (GEN1 structure-specific endonuclease; plus strand). Cytogenetic location: 2p24.2.
Variant type: single nucleotide variant.
Coding change: c.314C>G on transcript NM_001130009.3 (MANE Select); coding-DNA position 314, C replaced by G.
Protein change: p.Thr105Arg; replaces threonine 105 with arginine.
Molecular consequence: missense variant.
Genome position (GRCh38, 1-based): chr2:17,761,548, C>G. VCF-style: chr2-17761548-C-G. GRCh37 (hg19) VCF-style: chr2-17942815-C-G.
Other names: c.314C>G, p.Thr105Arg (NM_182625.5); short protein forms T105R.
Identifiers: ClinVar variation 1009732 (VCV001009732.7), dbSNP rs773795421, ClinGen allele CA1540378.

ClinVar aggregate classification (germline): Uncertain significance. Review status: criteria provided, multiple submitters, no conflicts (2 of 4 stars). 2 submissions from 2 submitters: Uncertain significance (2). Last evaluated 2026-01-20.

Conditions:
GEN1-related prostate cancer.

Allele frequency attached by ClinVar (database versions not stated): gnomAD 0.00001; gnomAD exomes 0.00004 and 0.00008; ExAC 0.00007; TOPMed 0.00007.

Submissions (2):

Labcorp Genetics (formerly Invitae), Labcorp
Classification: Uncertain significance. Last evaluated: 2026-01-20. Review status: criteria provided, single submitter. Criteria: Invitae Variant Classification Sherloc (09022015). Collection method: clinical testing. Allele origin: germline.
Comment: This sequence change replaces threonine, which is neutral and polar, with arginine, which is basic and polar, at codon 105 of the GEN1 protein (p.Thr105Arg). This variant is present in population databases (rs773795421, gnomAD 0.1%), and has an allele count higher than expected for a pathogenic variant. This variant has not been reported in the literature in individuals affected with GEN1-related conditions. ClinVar contains an entry for this variant (Variation ID: 1009732). An algorithm developed to predict the effect of missense changes on protein structure and function (PolyPhen-2) suggests that this variant is likely to be disruptive. Experimental studies have shown that this missense change affects GEN1 function (PMID: 38654324). In summary, the available evidence is currently insufficient to determine the role of this variant in disease. Therefore, it has been classified as a Variant of Uncertain Significance.

Baylor Genetics
Classification: Uncertain significance for GEN1-related prostate cancer. Last evaluated: 2024-01-17. Review status: criteria provided, single submitter. Criteria: ACMG Guidelines, 2015. Collection method: clinical testing. Allele origin: unknown.

Literature cited by the submitters: PubMed 38654324 (cited by Labcorp Genetics (formerly Invitae), Labcorp).